The following is an entry in ClinVar:

ClinVar aggregate classification (germline): Uncertain significance. Review status: criteria provided, multiple submitters, no conflicts (2 of 4 stars). 3 submissions from 3 submitters: Uncertain significance (3). Last evaluated 2026-07-01.

Conditions:
Hereditary cancer-predisposing syndrome. Also called: Neoplastic Syndromes, Hereditary; Hereditary neoplastic syndrome; Hereditary Cancer Syndrome; Tumor predisposition. Identifiers: Orphanet 140162, MedGen C0027672, MeSH D009386, MONDO:0015356.
Familial cancer of breast. Also called: hereditary breast carcinoma; Hereditary breast cancer; BREAST CANCER, FAMILIAL. Identifiers: Orphanet 227535, MedGen C0346153, MONDO:0016419, OMIM 114480. Disease mechanism: loss of function.

Allele frequency attached by ClinVar (database versions not stated): gnomAD exomes below 0.00001.
gnomAD v4.1: 1 of 1,614,138 alleles (0.000062%); highest among the groups gnomAD compares: Admixed American, 0.0017%; no homozygotes.

Submissions (3):

Ambry Genetics
Classification: Uncertain significance for Hereditary cancer-predisposing syndrome. Last evaluated: 2026-07-01. Review status: criteria provided, single submitter. Criteria: Ambry Variant Classification Scheme 2023. Collection method: clinical testing. Allele origin: germline.
Comment: The p.G680R variant (also known as c.2038G>A), located in coding exon 5 of the PALB2 gene, results from a G to A substitution at nucleotide position 2038. The glycine at codon 680 is replaced by arginine, an amino acid with dissimilar properties. This amino acid position is conserved. In addition, this alteration is predicted to be tolerated by in silico analysis. Based on the available evidence, the clinical significance of this variant remains unclear.

Quest Diagnostics Nichols Institute San Juan Capistrano
Classification: Uncertain significance. Last evaluated: 2025-03-17. Review status: criteria provided, single submitter. Criteria: Quest Diagnostics criteria. Collection method: clinical testing. Allele origin: unknown.
Comment: The PALB2 c.2038G>A (p.Gly680Arg) variant has not been reported in individuals with PALB2-related conditions in the published literature. The frequency of this variant in the general population (Genome Aggregation Database) is uninformative in the assessment of its pathogenicity. Analysis of this variant using bioinformatics tools for the prediction of the effect of amino acid changes on protein structure and function yielded predictions that this variant is benign. Based on the available information, we are unable to determine the clinical significance of this variant.

Labcorp Genetics (formerly Invitae), Labcorp
Classification: Uncertain significance for Familial cancer of breast. Last evaluated: 2017-03-26. Review status: criteria provided, single submitter. Criteria: Invitae Variant Classification Sherloc (09022015). Collection method: clinical testing. Allele origin: germline.
Comment: Algorithms developed to predict the effect of sequence changes on RNA splicing suggest that this variant may alter RNA splicing, but this prediction has not been confirmed by published transcriptional studies. In summary, this variant is a novel missense change with uncertain impact on protein function. It has been classified as a Variant of Uncertain Significance. Algorithms developed to predict the effect of missense changes on protein structure and function output the following: SIFT: "Tolerated"; PolyPhen-2: "Benign"; Align-GVGD: "Class C0". The arginine amino acid residue is found in multiple mammalian species, suggesting that this missense change does not adversely affect protein function. These predictions have not been confirmed by published functional studies. This variant is not present in population databases (ExAC no frequency) and has not been reported in the literature in individuals with a PALB2-related disease. This sequence change replaces glycine with arginine at codon 680 of the PALB2 protein (p.Gly680Arg). The glycine residue is moderately conserved and there is a moderate physicochemical difference between glycine and arginine.

NM_024675.4(PALB2):c.2038G>A (p.Gly680Arg)

Gene: PALB2 (partner and localizer of BRCA2; minus strand). Cytogenetic location: 16p12.2.
Variant type: single nucleotide variant.
Coding change: c.2038G>A on transcript NM_024675.4 (MANE Select); coding-DNA position 2038, G replaced by A.
Protein change: p.Gly680Arg; replaces glycine 680 with arginine.
Molecular consequence: missense variant.
Genome position (GRCh38, 1-based): chr16:23,630,116, C>T on the plus strand (G>A on the coding strand, the complement: PALB2 is on the minus strand). VCF-style: chr16-23630116-C-T. GRCh37 (hg19) VCF-style: chr16-23641437-C-T.
Other names: short protein forms G680R.
Identifiers: ClinVar variation 460925 (VCV000460925.11), dbSNP rs1223755856, ClinGen allele CA395126920.